The following is an entry in ClinVar:

ClinVar aggregate classification (germline): Likely benign. Review status: criteria provided, multiple submitters, no conflicts (2 of 4 stars). 2 submissions from 2 submitters: Likely benign (2). Last evaluated 2025-11-03.

Conditions:
Immunodeficiency, common variable, 1. Also called: ANTIBODY DEFICIENCY DUE TO ICOS DEFECT. Identifiers: Orphanet 1572, Orphanet 695183, MedGen C3149378, MONDO:0011864, OMIM 607594.
ICOS-related disorder. Also called: ICOS-related condition.

Allele frequency attached by ClinVar (database versions not stated): gnomAD exomes 0.00002 and 0.00004; ExAC 0.00004; TOPMed 0.00004; 1000 Genomes Project 30x 0.00016; 1000 Genomes Project 0.00020; gnomAD 0.00001 and 0.00002.
gnomAD v4.1: 33 of 1,613,712 alleles (0.002%); highest among the groups gnomAD compares: Admixed American, 0.013%; no homozygotes.

Submissions (2):

Labcorp Genetics (formerly Invitae), Labcorp
Classification: Likely benign for Immunodeficiency, common variable, 1. Last evaluated: 2025-11-03. Review status: criteria provided, single submitter. Criteria: Invitae Variant Classification Sherloc (09022015). Collection method: clinical testing. Allele origin: germline.

PreventionGenetics, part of Exact Sciences
Classification: Likely benign for ICOS-related condition. Last evaluated: 2025-07-11. Review status: criteria provided, single submitter. Criteria: ACMG Guidelines, 2015. Collection method: clinical testing. Allele origin: germline.
Comment: This variant is classified as likely benign based on ACMG/AMP sequence variant interpretation guidelines (Richards et al. 2015 PMID: 25741868, with internal and published modifications).

NM_012092.4(ICOS):c.189C>T (p.Cys63=)

Gene: ICOS (inducible T cell costimulator; plus strand). Cytogenetic location: 2q33.2.
Variant type: single nucleotide variant.
Coding change: c.189C>T on transcript NM_012092.4 (MANE Select); coding-DNA position 189, C replaced by T.
Protein change: p.Cys63=; no amino-acid change (cysteine 63 retained).
Molecular consequence: synonymous variant.
Genome position (GRCh38, 1-based): chr2:203,955,766, C>T. VCF-style: chr2-203955766-C-T. GRCh37 (hg19) VCF-style: chr2-204820489-C-T.
Identifiers: ClinVar variation 792886 (VCV000792886.9), dbSNP rs537195517, ClinGen allele CA2067234.
Genomic context (GRCh38, chr2:203,955,766, plus strand): 5'-ATATCCTGACATTGTCCAGCAATTTAAAATGCAGTTGCTGAAAGGGGGGCAAATACTCTG[C>T]GATCTCACTAAGACAAAAGGAAGTGGAAACACAGTGTCCATTAAGAGTCTGAAATTCTGC-3'
Protein context (NP_036224.1, residues 53-73): MQLLKGGQIL[Cys63=]DLTKTKGSGN